The following is an entry in ClinVar:

NM_016816.4(OAS1):c.655-22_655-11del

Gene: OAS1 (2'-5'-oligoadenylate synthetase 1; plus strand). Cytogenetic location: 12q24.13.
Variant type: Deletion.
Coding change: c.655-22_655-11del on transcript NM_016816.4 (MANE Select); 22 bases into the intron before coding-DNA position 655 through 11 bases into the intron before coding-DNA position 655, 12 bases deleted (TGATTGTTTTTC).
Molecular consequence: intron variant.
Genome position (GRCh38, 1-based): chr12:112,916,487-112,916,498, TGATTGTTTTTC deleted; deleting any 12 consecutive bases within chr12:112,916,481-112,916,498 gives the same sequence; the c. name uses the placement nearest the transcript's 3' end. VCF-style (leftmost placement, unchanged base first): chr12-112916480-TTTTTTCTGATTG-T. GRCh37 (hg19) VCF-style: chr12-113354285-TTTTTTCTGATTG-T.
Other names: c.655-22_655-11del (NM_001320151.2, NM_001406022.1, NM_001032409.3 and 1 more transcripts); c.631-22_631-11del (NM_001406025.1, NM_001406024.1, NM_001406023.1 and 2 more transcripts); c.181-22_181-11del (NM_001406030.1, NM_001406029.1, NM_001406027.1 and 1 more transcripts); c.655-22_655-11del12 (NM_016816.4).
Identifiers: ClinVar variation 4853067 (VCV004853067.1).

ClinVar aggregate classification (germline): Likely benign (1 of 4 stars; one submission).

Submission:

Women's Health and Genetics/Laboratory Corporation of America, LabCorp
Classification: Likely benign. Last evaluated: 2026-05-14. Review status: criteria provided, single submitter. Criteria: LabCorp Variant Classification Summary - May 2015. Collection method: clinical testing. Allele origin: germline.
Comment: Variant summary: OAS1 c.655-22_655-11del12 alters a non-conserved nucleotide located at a position not widely known to affect splicing. Consensus agreement among computation tools predict no significant impact on normal splicing. However, these predictions have yet to be confirmed by functional studies. The variant was absent in 247700 control chromosomes. The available data on variant occurrences in the general population are insufficient to allow any conclusion about variant significance. To our knowledge, no occurrence of c.655-22_655-11del12 in individuals affected with OAS1-related conditions and no experimental evidence demonstrating its impact on protein function have been reported. No submitters have cited clinical-significance assessments for this variant to ClinVar. Based on the evidence outlined above, the variant was classified as likely benign.